The following is an entry in ClinVar:

NM_024818.6(UBA5):c.161+338T>A

Genes: NPHP3-ACAD11 (NPHP3-ACAD11 readthrough (NMD candidate); minus strand), UBA5 (ubiquitin like modifier activating enzyme 5; plus strand). Cytogenetic location: 3q22.1.
Variant type: single nucleotide variant.
Coding change: c.161+338T>A on transcript NM_024818.6 (MANE Select); 338 bases into the intron after coding-DNA position 161, T replaced by A.
Molecular consequence: intron variant. On other transcripts: 5 prime UTR variant (1), synonymous variant (1).
Genome position (GRCh38, 1-based): chr3:132,661,036, T>A. VCF-style: chr3-132661036-T-A. GRCh37 (hg19) VCF-style: chr3-132379880-T-A.
Other names: c.-20T>A (NM_001320210.2); c.15T>A, p.Ile5= (NM_001321238.2); c.-7-4787T>A (NM_198329.4); c.-40+338T>A (NM_001321239.1).
Identifiers: ClinVar variation 3037559 (VCV003037559.3), dbSNP rs149516856, ClinGen allele CA2621272.
Genomic context (GRCh38, chr3:132,661,036, plus strand): 5'-AGTCCGCCTCGCTGTGTATAAGACTGATAGTAAGAACTTTCAGAAGATGAGATCAAATAT[T>A]AAACCTGCTAAGGTAAACTTTGAGTTTCATTAAAGGCTTATCAATGCATCTTAAATGGGG-3'

ClinVar aggregate classification (germline): Likely benign. Review status: criteria provided, single submitter (1 of 4 stars). 2 submissions from 2 submitters: Likely benign (1). 1 of the submissions does not count toward it. Last evaluated 2024-10-02.

Conditions:
UBA5-related disorder. Also called: UBA5-related disorders; UBA5-related condition.

Allele frequency attached by ClinVar (database versions not stated): gnomAD exomes 0.00016; ExAC 0.00033; gnomAD 0.00122; TOPMed 0.00150; 1000 Genomes Project 30x 0.00250; 1000 Genomes Project 0.00300.
gnomAD v4.1: 422 of 1,358,248 alleles (0.031%); highest among the groups gnomAD compares: African/African-American, 0.47%; 4 homozygotes.

Submissions (2):

Blueprint Genetics
Classification: Likely benign. Last evaluated: 2024-10-02. Review status: criteria provided, single submitter. Criteria: ACMG Guidelines, 2015. Collection method: clinical testing. Allele origin: germline.

PreventionGenetics, part of Exact Sciences
Classification: Likely benign for UBA5-related condition. Last evaluated: 2020-08-31. Review status: no assertion criteria provided. Collection method: clinical testing. Allele origin: germline. Not counted in ClinVar's aggregate classification.
Comment: This variant is classified as likely benign based on ACMG/AMP sequence variant interpretation guidelines (Richards et al. 2015 PMID: 25741868, with internal and published modifications).